The following is an entry in ClinVar:

ClinVar aggregate classification (germline): Pathogenic (1 of 4 stars; one submission).

Submission:

Labcorp Genetics (formerly Invitae), Labcorp
Classification: Pathogenic. Last evaluated: 2024-06-10. Review status: criteria provided, single submitter. Criteria: Invitae Variant Classification Sherloc (09022015). Collection method: clinical testing. Allele origin: germline.
Comment: This sequence change creates a premature translational stop signal (p.Lys275*) in the TONSL gene. It is expected to result in an absent or disrupted protein product. Loss-of-function variants in TONSL are known to be pathogenic (PMID: 30773277). This variant is not present in population databases (gnomAD no frequency). This variant has not been reported in the literature in individuals affected with TONSL-related conditions. ClinVar contains an entry for this variant (Variation ID: 1906671). For these reasons, this variant has been classified as Pathogenic.

Literature cited by the submitters: PubMed 30773277.

NM_013432.5(TONSL):c.823A>T (p.Lys275Ter)

Gene: TONSL (tonsoku like, DNA repair protein; minus strand). Cytogenetic location: 8q24.3.
Variant type: single nucleotide variant.
Coding change: c.823A>T on transcript NM_013432.5 (MANE Select); coding-DNA position 823, A replaced by T.
Protein change: p.Lys275Ter; replaces lysine 275 with a stop codon.
Molecular consequence: nonsense.
Genome position (GRCh38, 1-based): chr8:144,442,079, T>A on the plus strand (A>T on the coding strand, the complement: TONSL is on the minus strand). VCF-style: chr8-144442079-T-A. GRCh37 (hg19) VCF-style: chr8-145667462-T-A.
Other names: short protein forms K275*.
Identifiers: ClinVar variation 1906671 (VCV001906671.5), dbSNP rs2537506170, ClinGen allele CA372675033.